The following is an entry in ClinVar:

ClinVar aggregate classification (germline): Uncertain significance (1 of 4 stars; one submission).

gnomAD v4.1: 1 of 1,613,082 alleles (0.000062%); highest among the groups gnomAD compares: Admixed American, 0.0017%; no homozygotes.

Submission:

Labcorp Genetics (formerly Invitae), Labcorp
Classification: Uncertain significance. Last evaluated: 2025-09-16. Review status: criteria provided, single submitter. Criteria: Invitae Variant Classification Sherloc (09022015). Collection method: clinical testing. Allele origin: germline.
Comment: This sequence change replaces serine, which is neutral and polar, with phenylalanine, which is neutral and non-polar, at codon 225 of the HMCN1 protein (p.Ser225Phe). This variant is present in population databases (rs753969337, gnomAD 0.003%). This variant has not been reported in the literature in individuals affected with HMCN1-related conditions. An algorithm developed to predict the effect of missense changes on protein structure and function (PolyPhen-2) suggests that this variant is likely to be disruptive. In summary, the available evidence is currently insufficient to determine the role of this variant in disease. Therefore, it has been classified as a Variant of Uncertain Significance.

NM_031935.3(HMCN1):c.674C>T (p.Ser225Phe)

Gene: HMCN1 (hemicentin 1; plus strand). Cytogenetic location: 1q31.1.
Variant type: single nucleotide variant.
Coding change: c.674C>T on transcript NM_031935.3 (MANE Select); coding-DNA position 674, C replaced by T.
Protein change: p.Ser225Phe; replaces serine 225 with phenylalanine.
Molecular consequence: missense variant.
Genome position (GRCh38, 1-based): chr1:185,909,389, C>T. VCF-style: chr1-185909389-C-T. GRCh37 (hg19) VCF-style: chr1-185878521-C-T.
Other names: short protein forms S225F.
Identifiers: ClinVar variation 4806723 (VCV004806723.1).
Genomic context (GRCh38, chr1:185,909,389, plus strand): 5'-TCTTATAGGTATTAAAATGGGTAGAAGAAGCAGTACAGGCCTCCAAAGTTCACCTTTTAT[C>T]CACAGATCATTTGGAACAGGCTGTAAATACTTGGAGAATTCCTTTTGATCCCAGCCTGAA-3'
Protein context (NP_114141.2, residues 215-235): AVQASKVHLL[Ser225Phe]TDHLEQAVNT